The following is an entry in ClinVar:

NM_177438.3(DICER1):c.3395C>T (p.Ala1132Val)

Gene: DICER1 (dicer 1, ribonuclease III; minus strand). Cytogenetic location: 14q32.13.
Variant type: single nucleotide variant.
Coding change: c.3395C>T on transcript NM_177438.3 (MANE Select); coding-DNA position 3395, C replaced by T.
Protein change: p.Ala1132Val; replaces alanine 1132 with valine.
Molecular consequence: missense variant. On other transcripts: non-coding transcript variant (6).
Genome position (GRCh38, 1-based): chr14:95,104,001, G>A on the plus strand (C>T on the coding strand, the complement: DICER1 is on the minus strand). VCF-style: chr14-95104001-G-A. GRCh37 (hg19) VCF-style: chr14-95570338-G-A.
Other names: c.3395C>T, p.Ala1132Val (NM_001195573.1, NM_001271282.3, NM_001291628.2 and 13 more transcripts); c.3113C>T, p.Ala1038Val (NM_001395686.1); c.2990C>T, p.Ala997Val (NM_001395687.1, NM_001395688.1, NM_001395689.1 and 2 more transcripts); c.2828C>T, p.Ala943Val (NM_001395691.1); c.1712C>T, p.Ala571Val (NM_001395697.1); short protein forms A1038V, A1132V, A571V, A943V, A997V.
Identifiers: ClinVar variation 1720995 (VCV001720995.7), dbSNP rs2139969596, ClinGen allele CA390875617.

ClinVar aggregate classification (germline): Uncertain significance. Review status: criteria provided, multiple submitters, no conflicts (2 of 4 stars). 2 submissions from 2 submitters: Uncertain significance (2). Last evaluated 2025-12-24.

Conditions:
DICER1-related tumor predisposition. Also called: DICER1 syndrome; DICER1-related pleuropulmonary blastoma cancer predisposition syndrome. Identifiers: Orphanet 284343, MedGen C3839822, MONDO:0100216.
Hereditary cancer-predisposing syndrome. Also called: Tumor predisposition; Hereditary Cancer Syndrome; Hereditary neoplastic syndrome; Neoplastic Syndromes, Hereditary. Identifiers: Orphanet 140162, MedGen C0027672, MeSH D009386, MONDO:0015356.

gnomAD v4.1: 1 of 1,614,194 alleles (0.000062%); highest among the groups gnomAD compares: Non-Finnish European, 0.000085%; no homozygotes.

Submissions (2):

Ambry Genetics
Classification: Uncertain significance for Hereditary cancer-predisposing syndrome. Last evaluated: 2025-12-24. Review status: criteria provided, single submitter. Criteria: Ambry Variant Classification Scheme 2023. Collection method: clinical testing. Allele origin: germline.
Comment: The p.A1132V variant (also known as c.3395C>T), located in coding exon 20 of the DICER1 gene, results from a C to T substitution at nucleotide position 3395. The alanine at codon 1132 is replaced by valine, an amino acid with similar properties. This amino acid position is conserved. In addition, the in silico prediction for this alteration is inconclusive. Based on the available evidence, the clinical significance of this variant remains unclear.

Labcorp Genetics (formerly Invitae), Labcorp
Classification: Uncertain significance for DICER1-related tumor predisposition. Last evaluated: 2022-10-04. Review status: criteria provided, single submitter. Criteria: Invitae Variant Classification Sherloc (09022015). Collection method: clinical testing. Allele origin: germline.
Comment: In summary, the available evidence is currently insufficient to determine the role of this variant in disease. Therefore, it has been classified as a Variant of Uncertain Significance. Advanced modeling of protein sequence and biophysical properties (such as structural, functional, and spatial information, amino acid conservation, physicochemical variation, residue mobility, and thermodynamic stability) performed at Invitae indicates that this missense variant is not expected to disrupt DICER1 protein function. This variant has not been reported in the literature in individuals affected with DICER1-related conditions. This variant is not present in population databases (gnomAD no frequency). This sequence change replaces alanine, which is neutral and non-polar, with valine, which is neutral and non-polar, at codon 1132 of the DICER1 protein (p.Ala1132Val).